The following is an entry in ClinVar:

ClinVar aggregate classification (germline): Uncertain significance (1 of 4 stars; one submission).

Submission:

Labcorp Genetics (formerly Invitae), Labcorp
Classification: Uncertain significance. Last evaluated: 2021-11-19. Review status: criteria provided, single submitter. Criteria: Invitae Variant Classification Sherloc (09022015). Collection method: clinical testing. Allele origin: germline.
Comment: In summary, the available evidence is currently insufficient to determine the role of this variant in disease. Therefore, it has been classified as a Variant of Uncertain Significance. This variant has not been reported in the literature in individuals affected with SPP2-related conditions. This variant is not present in population databases (gnomAD no frequency). This variant, c.71_72insTGTTTGCTCTTGGAATTATGT, results in the insertion of 7 amino acid(s) of the SPP2 protein (p.Tyr24_Trp25insValCysSerTrpAsnTyrVal), but otherwise preserves the integrity of the reading frame.

NM_006944.3(SPP2):c.71_72insTGTTTGCTCTTGGAATTATGT (p.Tyr24_Trp25insValCysSerTrpAsnTyrVal)

Gene: SPP2 (secreted phosphoprotein 2; plus strand). Cytogenetic location: 2q37.1.
Variant type: Insertion.
Coding change: c.71_72insTGTTTGCTCTTGGAATTATGT on transcript NM_006944.3 (MANE Select); coding-DNA positions 71 to 72, TGTTTGCTCTTGGAATTATGT inserted.
Protein change: p.Tyr24_Trp25insValCysSerTrpAsnTyrVal.
Molecular consequence: inframe insertion.
Genome position: GRCh38 VCF-style: chr2-234050857-A-ATGTTTGCTCTTGGAATTATGT. GRCh37 (hg19) VCF-style: chr2-234959501-A-ATGTTTGCTCTTGGAATTATGT.
Identifiers: ClinVar variation 1393042 (VCV001393042.6), dbSNP rs1693476518, ClinGen allele CA1336029245.
Genomic context (GRCh38, chr2:234,050,857, plus strand): 5'-GAATGGAGAAGATGACGATGATGATGAAGATATTGATTATGTTTGCTCTTGGAATGAACT[A>ATGTTTGCTCTTGGAATTATGT]CTGGTCTTGCTCAGGTAAGGTATTCACCAACCTGGCCACCTGCTCTGGATCATGCAGAGC-3'